The following is an entry in ClinVar:

NM_000130.5(F5):c.4013A>T (p.Asn1338Ile)

Gene: F5 (coagulation factor V; minus strand). Cytogenetic location: 1q24.2.
Variant type: single nucleotide variant.
Coding change: c.4013A>T on transcript NM_000130.5 (MANE Select); coding-DNA position 4013, A replaced by T.
Protein change: p.Asn1338Ile; replaces asparagine 1338 with isoleucine.
Molecular consequence: missense variant.
Genome position (GRCh38, 1-based): chr1:169,541,077, T>A on the plus strand (A>T on the coding strand, the complement: F5 is on the minus strand). VCF-style: chr1-169541077-T-A. GRCh37 (hg19) VCF-style: chr1-169510315-T-A.
Other names: short protein forms N1338I.
Identifiers: ClinVar variation 3692934 (VCV003692934.2).

ClinVar aggregate classification (germline): Uncertain significance (1 of 4 stars; one submission).

Conditions:
Congenital factor V deficiency. Also called: LABILE FACTOR DEFICIENCY; OWREN PARAHEMOPHILIA; PARAHEMOPHILIA; Hereditary factor V deficiency disease. Identifiers: Orphanet 326, MedGen C0015499, MONDO:0009210, OMIM 227400.

Submission:

Labcorp Genetics (formerly Invitae), Labcorp
Classification: Uncertain significance for Congenital factor V deficiency. Last evaluated: 2024-09-07. Review status: criteria provided, single submitter. Criteria: Invitae Variant Classification Sherloc (09022015). Collection method: clinical testing. Allele origin: germline.
Comment: This sequence change replaces asparagine, which is neutral and polar, with isoleucine, which is neutral and non-polar, at codon 1338 of the F5 protein (p.Asn1338Ile). This variant is not present in population databases (gnomAD no frequency). This variant has not been reported in the literature in individuals affected with F5-related conditions. Invitae Evidence Modeling of protein sequence and biophysical properties (such as structural, functional, and spatial information, amino acid conservation, physicochemical variation, residue mobility, and thermodynamic stability) indicates that this missense variant is not expected to disrupt F5 protein function with a negative predictive value of 80%. In summary, the available evidence is currently insufficient to determine the role of this variant in disease. Therefore, it has been classified as a Variant of Uncertain Significance.